The following is an entry in ClinVar:

ClinVar aggregate classification (germline): Likely benign (0 of 4 stars; one submission).

Conditions:
NRP1-related disorder. Also called: NRP1-related condition.

gnomAD v4.1: 44 of 1,598,922 alleles (0.0028%); highest among the groups gnomAD compares: Admixed American, 0.0051%; no homozygotes.

Submission:

PreventionGenetics, part of Exact Sciences
Classification: Likely benign for NRP1-related condition. Last evaluated: 2022-04-06. Review status: no assertion criteria provided. Collection method: clinical testing. Allele origin: germline.
Comment: This variant is classified as likely benign based on ACMG/AMP sequence variant interpretation guidelines (Richards et al. 2015 PMID: 25741868, with internal and published modifications).

NM_003873.7(NRP1):c.2499C>T (p.Tyr833=)

Gene: NRP1 (neuropilin 1; minus strand). Cytogenetic location: 10p11.22.
Variant type: single nucleotide variant.
Coding change: c.2499C>T on transcript NM_003873.7 (MANE Select); coding-DNA position 2499, C replaced by T.
Protein change: p.Tyr833=; no amino-acid change (tyrosine 833 retained).
Molecular consequence: synonymous variant. On other transcripts: non-coding transcript variant (1).
Genome position (GRCh38, 1-based): chr10:33,180,349, G>A on the plus strand (C>T on the coding strand, the complement: NRP1 is on the minus strand). VCF-style: chr10-33180349-G-A. GRCh37 (hg19) VCF-style: chr10-33469277-G-A.
Other names: c.2481C>T, p.Tyr827= (NM_001244972.2); c.2478C>T, p.Tyr826= (NM_001244973.2); c.2448C>T, p.Tyr816= (NM_001330068.2).
Identifiers: ClinVar variation 3352303 (VCV003352303.1).